The following is an entry in ClinVar:

NM_004304.5(ALK):c.427C>A (p.Leu143Met)

Gene: ALK (ALK receptor tyrosine kinase; minus strand). Cytogenetic location: 2p23.1.
Variant type: single nucleotide variant.
Coding change: c.427C>A on transcript NM_004304.5 (MANE Select); coding-DNA position 427, C replaced by A.
Protein change: p.Leu143Met; replaces leucine 143 with methionine.
Molecular consequence: missense variant.
Genome position (GRCh38, 1-based): chr2:29,920,233, G>T on the plus strand (C>A on the coding strand, the complement: ALK is on the minus strand). VCF-style: chr2-29920233-G-T. GRCh37 (hg19) VCF-style: chr2-30143099-G-T.
Other names: short protein forms L143M.
Identifiers: ClinVar variation 1739323 (VCV001739323.8), dbSNP rs1176553598, ClinGen allele CA346590067.

ClinVar aggregate classification (germline): Uncertain significance. Review status: criteria provided, multiple submitters, no conflicts (2 of 4 stars). 4 submissions from 4 submitters: Uncertain significance (4). Last evaluated 2026-08-06.

Conditions:
Neuroblastoma, susceptibility to, 3. Also called: ALK-Related Neuroblastic Tumor Susceptibility. Identifiers: Orphanet 635, MedGen C2751681, MONDO:0013083, OMIM 613014.
Hereditary cancer-predisposing syndrome. Also called: Neoplastic Syndromes, Hereditary; Hereditary neoplastic syndrome; Hereditary Cancer Syndrome; Tumor predisposition. Identifiers: Orphanet 140162, MedGen C0027672, MeSH D009386, MONDO:0015356.

Allele frequency attached by ClinVar (database versions not stated): gnomAD exomes below 0.00001.
gnomAD v4.1: 1 of 1,611,354 alleles (0.000062%); highest among the groups gnomAD compares: Admixed American, 0.0017%; no homozygotes.

Submissions (4):

OLLIN Analises Genomicas, OLLIN
Classification: Uncertain significance for Neuroblastoma, susceptibility to, 3. Last evaluated: 2026-08-06. Review status: criteria provided, single submitter. Criteria: ACMG Guidelines 2015 PMID 25741868. Collection method: clinical testing. Allele origin: germline.
Comment: This missense variant, located in exon 1 (of 29), has been reported in ClinVar (accession VCV001104257.11) and in gnomAD with an allele frequency of 0.000062%. However, to our knowledge, it has not been reported in the scientific literature. In silico analysis predicts that this variant has a tolerated effect. According to the currently available evidence, this variant has been classified as uncertain significance (PM2_P, BP4).

Ambry Genetics
Classification: Uncertain significance for Hereditary cancer-predisposing syndrome. Last evaluated: 2024-11-03. Review status: criteria provided, single submitter. Criteria: Ambry Variant Classification Scheme 2023. Collection method: clinical testing. Allele origin: germline.
Comment: The p.L143M variant (also known as c.427C>A), located in coding exon 1 of the ALK gene, results from a C to A substitution at nucleotide position 427. The leucine at codon 143 is replaced by methionine, an amino acid with highly similar properties. This amino acid position is conserved. In addition, the in silico prediction for this alteration is inconclusive. Since supporting evidence is limited at this time, the clinical significance of this alteration remains unclear.

Labcorp Genetics (formerly Invitae), Labcorp
Classification: Uncertain significance for Neuroblastoma, susceptibility to, 3. Last evaluated: 2024-04-24. Review status: criteria provided, single submitter. Criteria: Invitae Variant Classification Sherloc (09022015). Collection method: clinical testing. Allele origin: germline.
Comment: This sequence change replaces leucine, which is neutral and non-polar, with methionine, which is neutral and non-polar, at codon 143 of the ALK protein (p.Leu143Met). This variant is not present in population databases (gnomAD no frequency). This variant has not been reported in the literature in individuals affected with ALK-related conditions. ClinVar contains an entry for this variant (Variation ID: 1739323). An algorithm developed to predict the effect of missense changes on protein structure and function (PolyPhen-2) suggests that this variant is likely to be disruptive. In summary, the available evidence is currently insufficient to determine the role of this variant in disease. Therefore, it has been classified as a Variant of Uncertain Significance.

Baylor Genetics
Classification: Uncertain significance for Neuroblastoma, susceptibility to, 3. Last evaluated: 2024-03-06. Review status: criteria provided, single submitter. Criteria: ACMG Guidelines, 2015. Collection method: clinical testing. Allele origin: unknown.